The following is an entry in ClinVar:

NM_002439.5(MSH3):c.2528A>G (p.Gln843Arg)

Gene: MSH3 (mutS homolog 3; plus strand). Cytogenetic location: 5q14.1.
Variant type: single nucleotide variant.
Coding change: c.2528A>G on transcript NM_002439.5 (MANE Select); coding-DNA position 2528, A replaced by G.
Protein change: p.Gln843Arg; replaces glutamine 843 with arginine.
Molecular consequence: missense variant.
Genome position (GRCh38, 1-based): chr5:80,787,657, A>G. VCF-style: chr5-80787657-A-G. GRCh37 (hg19) VCF-style: chr5-80083476-A-G.
Other names: short protein forms Q843R.
Identifiers: ClinVar variation 4654402 (VCV004654402.1).

ClinVar aggregate classification (germline): Uncertain significance (1 of 4 stars; one submission).

Conditions:
Hereditary cancer-predisposing syndrome. Also called: Neoplastic Syndromes, Hereditary; Tumor predisposition; Hereditary Cancer Syndrome; Hereditary neoplastic syndrome. Identifiers: Orphanet 140162, MedGen C0027672, MeSH D009386, MONDO:0015356.

Submission:

Ambry Genetics
Classification: Uncertain significance for Hereditary cancer-predisposing syndrome. Last evaluated: 2025-10-08. Review status: criteria provided, single submitter. Criteria: Ambry Variant Classification Scheme 2023. Collection method: clinical testing. Allele origin: germline.
Comment: The p.Q843R variant (also known as c.2528A>G), located in coding exon 18 of the MSH3 gene, results from an A to G substitution at nucleotide position 2528. The glutamine at codon 843 is replaced by arginine, an amino acid with highly similar properties. This amino acid position is conserved. In addition, the in silico prediction for this alteration is inconclusive. Based on the available evidence, the clinical significance of this variant remains unclear.